The following is an entry in ClinVar:

NM_000718.4(CACNA1B):c.4303A>G (p.Asn1435Asp)

Gene: CACNA1B (calcium voltage-gated channel subunit alpha1 B; plus strand). Cytogenetic location: 9q34.3.
Variant type: single nucleotide variant.
Coding change: c.4303A>G on transcript NM_000718.4 (MANE Select); coding-DNA position 4303, A replaced by G.
Protein change: p.Asn1435Asp; replaces asparagine 1435 with aspartic acid.
Molecular consequence: missense variant.
Genome position (GRCh38, 1-based): chr9:138,058,245, A>G. VCF-style: chr9-138058245-A-G. GRCh37 (hg19) VCF-style: chr9-140952697-A-G.
Other names: c.4303A>G, p.Asn1435Asp (NM_001243812.2); short protein forms N1435D.
Identifiers: ClinVar variation 1717011 (VCV001717011.5), dbSNP rs1959584665, ClinGen allele CA375814370.

ClinVar aggregate classification (germline): Uncertain significance (1 of 4 stars; one submission).

Allele frequency attached by ClinVar (database versions not stated): TOPMed below 0.00001.

Submission:

Labcorp Genetics (formerly Invitae), Labcorp
Classification: Uncertain significance. Last evaluated: 2022-10-08. Review status: criteria provided, single submitter. Criteria: Invitae Variant Classification Sherloc (09022015). Collection method: clinical testing. Allele origin: germline.
Comment: In summary, the available evidence is currently insufficient to determine the role of this variant in disease. Therefore, it has been classified as a Variant of Uncertain Significance. Advanced modeling of protein sequence and biophysical properties (such as structural, functional, and spatial information, amino acid conservation, physicochemical variation, residue mobility, and thermodynamic stability) performed at Invitae indicates that this missense variant is not expected to disrupt CACNA1B protein function. This variant has not been reported in the literature in individuals affected with CACNA1B-related conditions. This variant is not present in population databases (gnomAD no frequency). This sequence change replaces asparagine, which is neutral and polar, with aspartic acid, which is acidic and polar, at codon 1435 of the CACNA1B protein (p.Asn1435Asp).